The following is an entry in ClinVar:

ClinVar aggregate classification (germline): Uncertain significance (1 of 4 stars; one submission).

Conditions:
Biotin-responsive basal ganglia disease (BTBGD). Also called: THIAMINE METABOLISM DYSFUNCTION SYNDROME 2 (BIOTIN- AND THIAMINE-RESPONSIVE TYPE); Thiamine metabolism dysfunction syndrome 2 (biotin- or thiamine-responsive encephalopathy type 2); Thiamine Transporter-2 Deficiency; thiamine-responsive encephalopathy; Thiamine metabolism dysfunction syndrome type 2. Identifiers: Orphanet 199348, Orphanet 65284, MedGen C1843807, MONDO:0011841, OMIM 607483.

Allele frequency attached by ClinVar (database versions not stated): gnomAD 0.00001.
gnomAD v4.1: 1 of 1,613,938 alleles (0.000062%); highest among the groups gnomAD compares: African/African-American, 0.0013%; no homozygotes.

Submission:

Labcorp Genetics (formerly Invitae), Labcorp
Classification: Uncertain significance for Biotin-responsive basal ganglia disease. Last evaluated: 2021-08-26. Review status: criteria provided, single submitter. Criteria: Invitae Variant Classification Sherloc (09022015). Collection method: clinical testing. Allele origin: germline.
Comment: This sequence change replaces valine with leucine at codon 65 of the SLC19A3 protein (p.Val65Leu). The valine residue is weakly conserved and there is a small physicochemical difference between valine and leucine. This variant is not present in population databases (ExAC no frequency). This variant has not been reported in the literature in individuals affected with SLC19A3-related conditions. Algorithms developed to predict the effect of missense changes on protein structure and function output the following: SIFT: "Tolerated"; PolyPhen-2: "Benign"; Align-GVGD: "Class C0". The leucine amino acid residue is found in multiple mammalian species, which suggests that this missense change does not adversely affect protein function. In summary, the available evidence is currently insufficient to determine the role of this variant in disease. Therefore, it has been classified as a Variant of Uncertain Significance.

NM_025243.4(SLC19A3):c.193G>C (p.Val65Leu)

Gene: SLC19A3 (solute carrier family 19 member 3; minus strand). Cytogenetic location: 2q36.3.
Variant type: single nucleotide variant.
Coding change: c.193G>C on transcript NM_025243.4 (MANE Select); coding-DNA position 193, G replaced by C.
Protein change: p.Val65Leu; replaces valine 65 with leucine.
Molecular consequence: missense variant.
Genome position (GRCh38, 1-based): chr2:227,699,522, C>G on the plus strand (G>C on the coding strand, the complement: SLC19A3 is on the minus strand). VCF-style: chr2-227699522-C-G. GRCh37 (hg19) VCF-style: chr2-228564238-C-G.
Other names: c.193G>C, p.Val65Leu (NM_001371411.1, NM_001371412.1); c.181G>C, p.Val61Leu (NM_001371413.1, NM_001371414.1); short protein forms V61L, V65L.
Identifiers: ClinVar variation 945816 (VCV000945816.7), dbSNP rs1695591331, ClinGen allele CA350877734.